The following is an entry in ClinVar:

ClinVar aggregate classification (germline): Uncertain significance. Review status: criteria provided, multiple submitters, no conflicts (2 of 4 stars). 3 submissions from 3 submitters: Uncertain significance (3). Last evaluated 2025-06-25.

Allele frequency attached by ClinVar (database versions not stated): ExAC 0.00001; gnomAD 0.00001; gnomAD exomes 0.00001 and 0.00002; TOPMed 0.00001.
gnomAD v4.1: 13 of 1,614,044 alleles (0.00081%); highest among the groups gnomAD compares: Admixed American, 0.005%; no homozygotes.

Submissions (3):

Labcorp Genetics (formerly Invitae), Labcorp
Classification: Uncertain significance. Last evaluated: 2025-06-25. Review status: criteria provided, single submitter. Criteria: Invitae Variant Classification Sherloc (09022015). Collection method: clinical testing. Allele origin: germline.
Comment: This sequence change replaces valine, which is neutral and non-polar, with alanine, which is neutral and non-polar, at codon 197 of the SLC7A14 protein (p.Val197Ala). This variant is present in population databases (rs746338400, gnomAD 0.006%). This variant has not been reported in the literature in individuals affected with SLC7A14-related conditions. ClinVar contains an entry for this variant (Variation ID: 1002921). An algorithm developed to predict the effect of missense changes on protein structure and function (PolyPhen-2) suggests that this variant is likely to be tolerated. In summary, the available evidence is currently insufficient to determine the role of this variant in disease. Therefore, it has been classified as a Variant of Uncertain Significance.

Ambry Genetics
Classification: Uncertain significance. Last evaluated: 2025-02-12. Review status: criteria provided, single submitter. Criteria: Ambry Variant Classification Scheme 2023. Collection method: clinical testing. Allele origin: germline.

Blueprint Genetics
Classification: Uncertain significance. Last evaluated: 2023-12-21. Review status: criteria provided, single submitter. Criteria: ACMG Guidelines, 2015. Collection method: clinical testing. Allele origin: germline.

NM_020949.3(SLC7A14):c.590T>C (p.Val197Ala)

Genes: SLC7A14 (solute carrier family 7 member 14; minus strand), SLC7A14-AS1 (SLC7A14 antisense RNA 1; plus strand). Cytogenetic location: 3q26.2.
Variant type: single nucleotide variant.
Coding change: c.590T>C on transcript NM_020949.3 (MANE Select); coding-DNA position 590, T replaced by C.
Protein change: p.Val197Ala; replaces valine 197 with alanine.
Molecular consequence: missense variant.
Genome position (GRCh38, 1-based): chr3:170,498,836, A>G on the plus strand (T>C on the coding strand, the complement: SLC7A14 is on the minus strand). VCF-style: chr3-170498836-A-G. GRCh37 (hg19) VCF-style: chr3-170216625-A-G.
Other names: c.590T>C (NM_020949.2); short protein forms V197A.
Identifiers: ClinVar variation 1002921 (VCV001002921.10), dbSNP rs746338400, ClinGen allele CA2701877.